The following is an entry in ClinVar:

NM_032638.5(GATA2):c.124C>A (p.Pro42Thr)

Gene: GATA2 (GATA binding protein 2; minus strand). Cytogenetic location: 3q21.3.
Variant type: single nucleotide variant.
Coding change: c.124C>A on transcript NM_032638.5 (MANE Select); coding-DNA position 124, C replaced by A.
Protein change: p.Pro42Thr; replaces proline 42 with threonine.
Molecular consequence: missense variant.
Genome position (GRCh38, 1-based): chr3:128,486,908, G>T on the plus strand (C>A on the coding strand, the complement: GATA2 is on the minus strand). VCF-style: chr3-128486908-G-T. GRCh37 (hg19) VCF-style: chr3-128205751-G-T.
Other names: c.124C>A, p.Pro42Thr (NM_001145661.2, NM_001145662.1); short protein forms P42T.
Identifiers: ClinVar variation 4028483 (VCV004028483.1).
Genomic context (GRCh38, chr3:128,486,908, plus strand): 5'-TGGCATAGTAGGGGTTGCCCTGCGAGTCGAGGTGATTGAAGAAGACGTCCACCTCGTCTG[G>T]AGGCAGCAGCTGCGCGGGTTCCATGTAGTTGTGCGCCAGGCCCGGGTGGTGTGAGTCGGG-3'
Protein context (NP_116027.2, residues 32-52): NYMEPAQLLP[Pro42Thr]DEVDVFFNHL

ClinVar aggregate classification (germline): Uncertain significance (1 of 4 stars; one submission).

Conditions:
Inborn genetic diseases. Identifiers: MedGen C0950123, MeSH D030342.

Submission:

Ambry Genetics
Classification: Uncertain significance for Inborn genetic diseases. Last evaluated: 2025-04-22. Review status: criteria provided, single submitter. Criteria: Ambry Variant Classification Scheme 2023. Collection method: clinical testing. Allele origin: germline.
Comment: The p.P42T variant (also known as c.124C>A), located in coding exon 1 of the GATA2 gene, results from a C to A substitution at nucleotide position 124. The proline at codon 42 is replaced by threonine, an amino acid with highly similar properties. In addition, the in silico prediction for this alteration is inconclusive. Based on the available evidence, the clinical significance of this variant remains unclear.